The following is an entry in ClinVar:

ClinVar aggregate classification (germline): Uncertain significance (1 of 4 stars; one submission).

Submission:

Women's Health and Genetics/Laboratory Corporation of America, LabCorp
Classification: Uncertain significance. Last evaluated: 2024-11-20. Review status: criteria provided, single submitter. Criteria: LabCorp Variant Classification Summary - May 2015. Collection method: clinical testing. Allele origin: germline.
Comment: Variant summary: DIP2B c.4426C>A (p.Pro1476Thr) results in a non-conservative amino acid change located in the Disco-interacting protein 2 (Dip2) domain (IPR037337) of the encoded protein sequence. Four of five in-silico tools predict a damaging effect of the variant on protein function. The variant was absent in 251394 control chromosomes. The available data on variant occurrences in the general population are insufficient to allow any conclusion about variant significance. To our knowledge, no occurrence of c.4426C>A in individuals affected with Intellectual Disability, FRA12A Type and no experimental evidence demonstrating its impact on protein function have been reported. No submitters have cited clinical-significance assessments for this variant to ClinVar. Based on the evidence outlined above, the variant was classified as uncertain significance.

NM_173602.3(DIP2B):c.4426C>A (p.Pro1476Thr)

Gene: DIP2B (disco interacting protein 2 homolog B; plus strand). Cytogenetic location: 12q13.12.
Variant type: single nucleotide variant.
Coding change: c.4426C>A on transcript NM_173602.3 (MANE Select); coding-DNA position 4426, C replaced by A.
Protein change: p.Pro1476Thr; replaces proline 1476 with threonine.
Molecular consequence: missense variant.
Genome position (GRCh38, 1-based): chr12:50,741,487, C>A. VCF-style: chr12-50741487-C-A. GRCh37 (hg19) VCF-style: chr12-51135270-C-A.
Other names: short protein forms P1476T.
Identifiers: ClinVar variation 3629968 (VCV003629968.1).